The following is an entry in ClinVar:

NM_000384.3(APOB):c.7333G>A (p.Glu2445Lys)

Gene: APOB (apolipoprotein B; minus strand). Cytogenetic location: 2p24.1.
Variant type: single nucleotide variant.
Coding change: c.7333G>A on transcript NM_000384.3 (MANE Select); coding-DNA position 7333, G replaced by A.
Protein change: p.Glu2445Lys; replaces glutamic acid 2445 with lysine.
Molecular consequence: missense variant.
Genome position (GRCh38, 1-based): chr2:21,009,535, C>T on the plus strand (G>A on the coding strand, the complement: APOB is on the minus strand). VCF-style: chr2-21009535-C-T. GRCh37 (hg19) VCF-style: chr2-21232407-C-T.
Other names: short protein forms E2445K.
Identifiers: ClinVar variation 4532942 (VCV004532942.1).

ClinVar aggregate classification (germline): Uncertain significance (1 of 4 stars; one submission).

gnomAD v4.1: 14 of 1,614,060 alleles (0.00087%); highest among the groups gnomAD compares: Non-Finnish European, 0.0012%; no homozygotes.

Submission:

Quest Diagnostics Nichols Institute San Juan Capistrano
Classification: Uncertain significance. Last evaluated: 2025-04-22. Review status: criteria provided, single submitter. Criteria: Quest Diagnostics criteria. Collection method: clinical testing. Allele origin: unknown.
Comment: The APOB c.7333G>A (p.Glu2445Lys) variant has not been reported in individuals with APOB-related conditions in the published literature. It also has not been reported in large, multi-ethnic general populations (Genome Aggregation Database). Analysis of this variant using bioinformatics tools for the prediction of the effect of amino acid changes on protein structure and function yielded predictions that this variant is damaging. Based on the available information, we are unable to determine the clinical significance of this variant